The following is an entry in ClinVar:

ClinVar aggregate classification (germline): Uncertain significance (1 of 4 stars; one submission).

Conditions:
Pierson syndrome. Also called: MICROCORIA-CONGENITAL NEPHROTIC SYNDROME. Identifiers: Orphanet 2670, MedGen C1836876, MONDO:0012184, OMIM 609049.
LAMB2-related infantile-onset nephrotic syndrome. Also called: NEPHROTIC SYNDROME, TYPE 5, WITHOUT OCULAR ABNORMALITIES; NEPHROTIC SYNDROME, TYPE 5, WITH OCULAR ABNORMALITIES; Nephrotic Syndrome, type 5. Identifiers: Orphanet 306507, MedGen C3280113, MONDO:0013621, OMIM 614199.

Submission:

Labcorp Genetics (formerly Invitae), Labcorp
Classification: Uncertain significance for LAMB2-related infantile-onset nephrotic syndrome; Pierson syndrome. Last evaluated: 2022-03-29. Review status: criteria provided, single submitter. Criteria: Invitae Variant Classification Sherloc (09022015). Collection method: clinical testing. Allele origin: germline.
Comment: This variant has not been reported in the literature in individuals affected with LAMB2-related conditions. In summary, the available evidence is currently insufficient to determine the role of this variant in disease. Therefore, it has been classified as a Variant of Uncertain Significance. Algorithms developed to predict the effect of sequence changes on RNA splicing suggest that this variant may create or strengthen a splice site. Algorithms developed to predict the effect of missense changes on protein structure and function output the following: SIFT: "Tolerated"; PolyPhen-2: "Benign"; Align-GVGD: "Class C0". The serine amino acid residue is found in multiple mammalian species, which suggests that this missense change does not adversely affect protein function. This variant is not present in population databases (gnomAD no frequency). This sequence change replaces proline, which is neutral and non-polar, with serine, which is neutral and polar, at codon 649 of the LAMB2 protein (p.Pro649Ser).

NM_002292.4(LAMB2):c.1945C>T (p.Pro649Ser)

Gene: LAMB2 (laminin subunit beta 2; minus strand). Cytogenetic location: 3p21.31.
Variant type: single nucleotide variant.
Coding change: c.1945C>T on transcript NM_002292.4 (MANE Select); coding-DNA position 1945, C replaced by T.
Protein change: p.Pro649Ser; replaces proline 649 with serine.
Molecular consequence: missense variant.
Genome position (GRCh38, 1-based): chr3:49,128,531, G>A on the plus strand (C>T on the coding strand, the complement: LAMB2 is on the minus strand). VCF-style: chr3-49128531-G-A. GRCh37 (hg19) VCF-style: chr3-49165964-G-A.
Other names: short protein forms P649S.
Identifiers: ClinVar variation 2026459 (VCV002026459.4), dbSNP rs2472548680, ClinGen allele CA352731534.
Genomic context (GRCh38, chr3:49,128,531, plus strand): 5'-GCAGAGTCCCTTGGATGCGATCATCCTTGGGCACCAAATGCCCACACAGGCTGTGGGCAG[G>A]CACAGGCCCTGGACGCTGCACAATCAGTTCCAACTCTGCCCATTGCTCAGGGACCTGGGA-3'
Protein context (NP_002283.3, residues 639-659): ELIVQRPGPV[Pro649Ser]AHSLCGHLVP